The following is an entry in ClinVar:

NM_015512.5(DNAH1):c.2042C>A (p.Ala681Glu)

Gene: DNAH1 (dynein axonemal heavy chain 1; plus strand). Cytogenetic location: 3p21.1.
Variant type: single nucleotide variant.
Coding change: c.2042C>A on transcript NM_015512.5 (MANE Select); coding-DNA position 2042, C replaced by A.
Protein change: p.Ala681Glu; replaces alanine 681 with glutamic acid.
Molecular consequence: missense variant.
Genome position (GRCh38, 1-based): chr3:52,347,910, C>A. VCF-style: chr3-52347910-C-A. GRCh37 (hg19) VCF-style: chr3-52381926-C-A.
Other names: short protein forms A681E.
Identifiers: ClinVar variation 2942779 (VCV002942779.3), dbSNP rs1702212091, ClinGen allele CA353097296.

ClinVar aggregate classification (germline): Uncertain significance (1 of 4 stars; one submission).

Conditions:
Spermatogenic failure 18. Identifiers: MedGen C4539783, MONDO:0054615, OMIM 617576.
Ciliary dyskinesia, primary, 37 (CILD37). Also called: CILIARY DYSKINESIA, PRIMARY, 37, WITH OR WITHOUT SITUS INVERSUS. Identifiers: MedGen C4539798, MONDO:0033204, OMIM 617577.

Allele frequency attached by ClinVar (database versions not stated): TOPMed below 0.00001.

Submission:

Labcorp Genetics (formerly Invitae), Labcorp
Classification: Uncertain significance for Ciliary dyskinesia, primary, 37; Spermatogenic failure 18. Last evaluated: 2023-01-11. Review status: criteria provided, single submitter. Criteria: Invitae Variant Classification Sherloc (09022015). Collection method: clinical testing. Allele origin: germline.
Comment: In summary, the available evidence is currently insufficient to determine the role of this variant in disease. Therefore, it has been classified as a Variant of Uncertain Significance. Algorithms developed to predict the effect of missense changes on protein structure and function (SIFT, PolyPhen-2, Align-GVGD) all suggest that this variant is likely to be tolerated. This variant has not been reported in the literature in individuals affected with DNAH1-related conditions. This variant is not present in population databases (gnomAD no frequency). This sequence change replaces alanine, which is neutral and non-polar, with glutamic acid, which is acidic and polar, at codon 681 of the DNAH1 protein (p.Ala681Glu).